The following is an entry in ClinVar:

ClinVar aggregate classification (germline): Uncertain significance. Review status: criteria provided, multiple submitters, no conflicts (2 of 4 stars). 5 submissions from 4 submitters: Uncertain significance (5). Last evaluated 2026-07-27.

Conditions:
USH2A-related disorder. Also called: USH2A-related condition; USH2A-related disorders. Identifiers: MedGen CN239332.
Inborn genetic diseases. Identifiers: MedGen C0950123, MeSH D030342.
Retinitis pigmentosa 39 (RP39). Identifiers: Orphanet 791, MedGen C3151138, MONDO:0013436, OMIM 613809.
Usher syndrome type 2A. Also called: RETINAL DISEASE IN USHER SYNDROME TYPE IIA, MODIFIER OF; USHER SYNDROME, TYPE IIA. Identifiers: Orphanet 231178, Orphanet 886, MedGen C1848634, MONDO:0010169, OMIM 276901.

Allele frequency attached by ClinVar (database versions not stated): ExAC 0.00002; TOPMed 0.00004; gnomAD 0.00006; 1000 Genomes Project 0.00040; 1000 Genomes Project 30x 0.00047.
gnomAD v4.1: 22 of 1,614,054 alleles (0.0014%); highest among the groups gnomAD compares: African/African-American, 0.0093%; no homozygotes.

Submissions (5):

PreventionGenetics, part of Exact Sciences
Classification: Uncertain significance for USH2A-related condition. Last evaluated: 2026-07-27. Review status: criteria provided, single submitter. Criteria: ACMG Guidelines, 2015. Collection method: clinical testing. Allele origin: germline.
Comment: The USH2A c.2942G>A variant is predicted to result in the amino acid substitution p.Arg981His. To our knowledge, this variant has not been reported in the literature. This variant is reported in 0.012% of alleles in individuals of African descent in gnomAD. At this time, the clinical significance of this variant is uncertain due to the absence of conclusive functional and genetic evidence.

Ambry Genetics
Classification: Uncertain significance for Inborn genetic diseases. Last evaluated: 2024-06-18. Review status: criteria provided, single submitter. Criteria: Ambry Variant Classification Scheme 2023. Collection method: clinical testing. Allele origin: germline.

Genome-Nilou Lab
Classification: Uncertain significance for Retinitis pigmentosa 39. Last evaluated: 2023-11-04. Review status: criteria provided, single submitter. Criteria: ACMG Guidelines, 2015. Collection method: clinical testing. Allele origin: germline. Affected: no.

Genome-Nilou Lab
Classification: Uncertain significance for Usher syndrome type 2A. Last evaluated: 2023-11-04. Review status: criteria provided, single submitter. Criteria: ACMG Guidelines, 2015. Collection method: clinical testing. Allele origin: germline. Affected: no.

Labcorp Genetics (formerly Invitae), Labcorp
Classification: Uncertain significance. Last evaluated: 2021-09-17. Review status: criteria provided, single submitter. Criteria: Invitae Variant Classification Sherloc (09022015). Collection method: clinical testing. Allele origin: germline.
Comment: This sequence change replaces arginine with histidine at codon 981 of the USH2A protein (p.Arg981His). The arginine residue is weakly conserved and there is a small physicochemical difference between arginine and histidine. This variant is present in population databases (rs574882069, ExAC 0.02%). This variant has not been reported in the literature in individuals with USH2A-related conditions. Algorithms developed to predict the effect of missense changes on protein structure and function output the following: SIFT: "Deleterious"; PolyPhen-2: "Benign"; Align-GVGD: "Class C0". The histidine amino acid residue is found in multiple mammalian species, suggesting that this missense change does not adversely affect protein function. These predictions have not been confirmed by published functional studies and their clinical significance is uncertain. In summary, the available evidence is currently insufficient to determine the role of this variant in disease. Therefore, it has been classified as a Variant of Uncertain Significance.

NM_206933.4(USH2A):c.2942G>A (p.Arg981His)

Genes: USH2A (usherin; minus strand), USH2A-AS1 (USH2A antisense RNA 1; plus strand). Cytogenetic location: 1q41.
Variant type: single nucleotide variant.
Coding change: c.2942G>A on transcript NM_206933.4 (MANE Select); coding-DNA position 2942, G replaced by A.
Protein change: p.Arg981His; replaces arginine 981 with histidine.
Molecular consequence: missense variant.
Genome position (GRCh38, 1-based): chr1:216,232,004, C>T on the plus strand (G>A on the coding strand, the complement: USH2A is on the minus strand). VCF-style: chr1-216232004-C-T. GRCh37 (hg19) VCF-style: chr1-216405346-C-T.
Other names: c.2942G>A, p.Arg981His (NM_007123.6); short protein forms R981H.
Identifiers: ClinVar variation 2077730 (VCV002077730.5), dbSNP rs574882069, ClinGen allele CA1396125.
Genomic context (GRCh38, chr1:216,232,004, plus strand): 5'-AAGATGTACCTTCCAGTCTGAGGATCAAATCCAAAGTAATGGTCTTTGCATTGGTCACAA[C>T]GTTGCCCAGCAATGGAAGCATCTTGGCAAACACACTGACCAGTCAGGCTATTACAGATGT-3'
Protein context (NP_996816.3, residues 971-991): VCQDASIAGQ[Arg981His]CDQCKDHYFG